The following is an entry in ClinVar:

NM_002878.4(RAD51D):c.183C>T (p.Phe61=)

Genes: RAD51D (RAD51 paralog D; minus strand), RAD51L3-RFFL (RAD51L3-RFFL readthrough; minus strand). Cytogenetic location: 17q12.
Variant type: single nucleotide variant.
Coding change: c.183C>T on transcript NM_002878.4 (MANE Select); coding-DNA position 183, C replaced by T.
Protein change: p.Phe61=; no amino-acid change (phenylalanine 61 retained).
Molecular consequence: synonymous variant. On other transcripts: intron variant (2).
Genome position (GRCh38, 1-based): chr17:35,118,581, G>A on the plus strand (C>T on the coding strand, the complement: RAD51D is on the minus strand). VCF-style: chr17-35118581-G-A. GRCh37 (hg19) VCF-style: chr17-33445600-G-A.
Other names: c.144+530C>T (NM_133629.3, NM_001142571.2).
Identifiers: ClinVar variation 484779 (VCV000484779.9), dbSNP rs1185842552, ClinGen allele CA658656595.

ClinVar aggregate classification (germline): Conflicting classifications of pathogenicity. Review status: criteria provided, conflicting classifications (1 of 4 stars). 3 submissions from 3 submitters: Uncertain significance (1); Likely benign (2). Last evaluated 2024-07-30.

Conditions:
Hereditary cancer-predisposing syndrome. Also called: Neoplastic Syndromes, Hereditary; Tumor predisposition; Hereditary Cancer Syndrome; Hereditary neoplastic syndrome. Identifiers: Orphanet 140162, MedGen C0027672, MeSH D009386, MONDO:0015356.
Breast-ovarian cancer, familial, susceptibility to, 4. Identifiers: Orphanet 145, MedGen C3280345, MONDO:0013669, OMIM 614291.

Submissions (3):

Quest Diagnostics Nichols Institute San Juan Capistrano
Classification: Uncertain significance. Last evaluated: 2024-07-30. Review status: criteria provided, single submitter. Criteria: Quest Diagnostics criteria. Collection method: clinical testing. Allele origin: unknown.
Comment: The RAD51D c.183C>T (p.Phe61=) synonymous variant has not been reported in individuals with RAD51D-related conditions in the published literature. It also has not been reported in large, multi-ethnic general populations (Genome Aggregation Database). Analysis of this variant using software algorithms for the prediction of the effect of nucleotide changes on splicing yielded predictions that this variant does not affect RAD51D mRNA splicing. Based on the available information, we are unable to determine the clinical significance of this variant.

Labcorp Genetics (formerly Invitae), Labcorp
Classification: Likely benign for Breast-ovarian cancer, familial, susceptibility to, 4. Last evaluated: 2023-02-02. Review status: criteria provided, single submitter. Criteria: Invitae Variant Classification Sherloc (09022015). Collection method: clinical testing. Allele origin: germline.

Ambry Genetics
Classification: Likely benign for Hereditary cancer-predisposing syndrome. Last evaluated: 2017-03-16. Review status: criteria provided, single submitter. Criteria: Ambry Variant Classification Scheme 2023. Collection method: clinical testing. Allele origin: germline.